The following is an entry in ClinVar:

NM_147191.1(MMP21):c.430C>A (p.Arg144Ser)

Gene: MMP21 (matrix metallopeptidase 21; minus strand). Cytogenetic location: 10q26.2.
Variant type: single nucleotide variant.
Coding change: c.430C>A on transcript NM_147191.1 (MANE Select); coding-DNA position 430, C replaced by A.
Protein change: p.Arg144Ser; replaces arginine 144 with serine.
Molecular consequence: missense variant.
Genome position (GRCh38, 1-based): chr10:125,774,098, G>T on the plus strand (C>A on the coding strand, the complement: MMP21 is on the minus strand). VCF-style: chr10-125774098-G-T. GRCh37 (hg19) VCF-style: chr10-127462667-G-T.
Other names: short protein forms R144S.
Identifiers: ClinVar variation 3373104 (VCV003373104.1).

ClinVar aggregate classification (germline): Uncertain significance (1 of 4 stars; one submission).

gnomAD v4.1: 6 of 1,348,910 alleles (0.00044%); highest among the groups gnomAD compares: African/African-American, 0.0061%; no homozygotes.

Submission:

GeneDx
Classification: Uncertain significance. Last evaluated: 2024-04-25. Review status: criteria provided, single submitter. Criteria: GeneDx Variant Classification Process June 2021. Collection method: clinical testing. Allele origin: germline. Affected: yes.
Comment: Not observed at significant frequency in large population cohorts (gnomAD); In silico analysis indicates that this missense variant does not alter protein structure/function; Has not been previously published as pathogenic or benign to our knowledge